The following is an entry in ClinVar:

ClinVar aggregate classification (germline): Pathogenic/Likely pathogenic. Review status: criteria provided, multiple submitters, no conflicts (2 of 4 stars). 5 submissions from 5 submitters: Pathogenic (3); Likely pathogenic (2). Last evaluated 2025-10-23.

Conditions:
MEN1-related disorder. Also called: MEN1-related condition.
Multiple endocrine neoplasia, type 1 (MEN1). Also called: MEN I; WERMER SYNDROME; Endocrine adenomatosis multiple; MEN 1; MEA I. Identifiers: Orphanet 652, MedGen C0025267, MeSH D018761, MONDO:0007540, OMIM 131100.
Hereditary cancer-predisposing syndrome. Also called: Tumor predisposition; Hereditary Cancer Syndrome; Hereditary neoplastic syndrome; Neoplastic Syndromes, Hereditary. Identifiers: Orphanet 140162, MedGen C0027672, MeSH D009386, MONDO:0015356.

Submissions (5):

Labcorp Genetics (formerly Invitae), Labcorp
Classification: Pathogenic for Multiple endocrine neoplasia, type 1. Last evaluated: 2025-10-23. Review status: criteria provided, single submitter. Criteria: Invitae Variant Classification Sherloc (09022015). Collection method: clinical testing. Allele origin: germline.
Comment: This sequence change replaces glycine, which is neutral and non-polar, with arginine, which is basic and polar, at codon 156 of the MEN1 protein (p.Gly156Arg). This variant is not present in population databases (gnomAD no frequency). This missense change has been observed in individual(s) with multiple endocrine neoplasia type 1 (PMID: 17766710, 28458907). It has also been observed to segregate with disease in related individuals. ClinVar contains an entry for this variant (Variation ID: 426144). Invitae Evidence Modeling of protein sequence and biophysical properties (such as structural, functional, and spatial information, amino acid conservation, physicochemical variation, residue mobility, and thermodynamic stability) indicates that this missense variant is expected to disrupt MEN1 protein function with a positive predictive value of 95%. This variant disrupts the p.Gly156 amino acid residue in MEN1. Other variant(s) that disrupt this residue have been determined to be pathogenic (PMID: 10090472, 29039523). This suggests that this residue is clinically significant, and that variants that disrupt this residue are likely to be disease-causing. For these reasons, this variant has been classified as Pathogenic.

Ambry Genetics
Classification: Pathogenic for Hereditary cancer-predisposing syndrome. Last evaluated: 2025-02-18. Review status: criteria provided, single submitter. Criteria: Ambry Variant Classification Scheme 2023. Collection method: clinical testing. Allele origin: germline.
Comment: The p.G156R pathogenic mutation (also known as c.466G>C), located in coding exon 2 of the MEN1 gene, results from a G to C substitution at nucleotide position 466. The glycine at codon 156 is replaced by arginine, an amino acid with dissimilar properties. This variant was identified in one or more individuals with features consistent with multiple endocrine neoplasia type 1 and segregated with disease in at least one family (Vierimaa O et al. Eur J Endocrinol, 2007 Sep;157:285-94; Uraki S et al. Endocrinol Diabetes Metab Case Rep, 2017 Apr;2017; Koivikko M et al. Endocrinol Diabetes Metab Case Rep, 2022 Feb;2022; Ambry internal data). This amino acid position is highly conserved in available vertebrate species. In addition, this alteration is predicted to be deleterious by in silico analysis. Based on the supporting evidence, this variant is interpreted as a disease-causing mutation.

Women's Health and Genetics/Laboratory Corporation of America, LabCorp
Classification: Pathogenic for Multiple endocrine neoplasia, type 1. Last evaluated: 2023-02-06. Review status: criteria provided, single submitter. Criteria: LabCorp Variant Classification Summary - May 2015. Collection method: clinical testing. Allele origin: germline.
Comment: Variant summary: MEN1 c.466G>C (p.Gly156Arg) results in a non-conservative amino acid change in the encoded protein sequence. Five of five in-silico tools predict a damaging effect of the variant on protein function. Other variants located at the same codon have been reported in association with Multiple Endocrine Neoplasia Type 1 in the HGMD database, supporting a critical role of this location in Menin, the MEN1 encoded protein. The variant was absent in 246660 control chromosomes. c.466G>C has been reported in the literature in multiple individuals affected with Multiple Endocrine Neoplasia Type 1 (example, PMID: 17766710, 28458907). Recently the French oncogenetics network of neuroendocrine tumors (TENGEN) has proposed this variant be classified as pathogenic using adjustments to the ACMG-AMP framework for the interpretation of MEN1 missense variants (PMID: 30869828). These data indicate that the variant is very likely to be associated with disease. To our knowledge, no experimental evidence demonstrating an impact on protein function has been reported. One clinical diagnostic laboratory has submitted clinical-significance assessments for this variant to ClinVar after 2014 and classified the variant as likely pathogenic. Based on the evidence outlined above, the variant was classified as pathogenic.

Blueprint Genetics
Classification: Likely pathogenic for MEN1-related disorders. Last evaluated: 2019-09-09. Review status: criteria provided, single submitter. Criteria: ACMG Guidelines, 2015. Collection method: clinical testing. Allele origin: germline. Affected: yes. Observed: 2 variant alleles.

GeneDx
Classification: Likely pathogenic. Last evaluated: 2018-01-29. Review status: criteria provided, single submitter. Criteria: GeneDx Variant Classification (06012015). Collection method: clinical testing. Allele origin: germline. Affected: yes.
Comment: The G156R variant in the MEN1 gene has previously been reported in multiple individuals with multiple endocrine neoplasia type 1 (Vierimaa et al., 2007; Uraki et al., 2017). This variant is not observed in large population cohorts (Lek et al., 2016). The G156R variant is a non-conservative amino acid substitution, which is likely to impact secondary protein structure as these residues differ in polarity, charge, size and/or other properties. This substitution occurs at a position that is conserved across species. In silico analysis predicts this variant is probably damaging to the protein structure/function. Missense variants in the same residue (G156S, G156C, G156V, G156D), as well as nearby residues (D153Y, D153V, D153E, S154I, S155F, A158D, A160P, A160T) have been reported in the Human Gene Mutation Database in association with MEN1-related disorders (Mutch et al., 1999; Tham et al., 2007; Belar et al., 2012; Stenson et al., 2014), supporting the functional importance of this region of the protein. Therefore, this variant is likely pathogenic; however, the possibility that it is benign cannot be excluded.

Literature cited by the submitters: PubMed 17766710 (cited by 3 submitters); PubMed 28458907 (cited by 3 submitters); PubMed 10090472 (cited by Labcorp Genetics (formerly Invitae), Labcorp); PubMed 29039523 (cited by Labcorp Genetics (formerly Invitae), Labcorp); PubMed 35199646 (cited by Ambry Genetics); PubMed 30820182 (cited by Women's Health and Genetics/Laboratory Corporation of America, LabCorp); PubMed 35268848 (cited by Women's Health and Genetics/Laboratory Corporation of America, LabCorp); PubMed 29122330 (cited by Women's Health and Genetics/Laboratory Corporation of America, LabCorp); PubMed 30869828 (cited by Women's Health and Genetics/Laboratory Corporation of America, LabCorp).

NM_001370259.2(MEN1):c.466G>C (p.Gly156Arg)

Gene: MEN1 (menin 1; minus strand). Cytogenetic location: 11q13.1.
Variant type: single nucleotide variant.
Coding change: c.466G>C on transcript NM_001370259.2 (MANE Select); coding-DNA position 466, G replaced by C.
Protein change: p.Gly156Arg; replaces glycine 156 with arginine.
Molecular consequence: missense variant.
Genome position (GRCh38, 1-based): chr11:64,808,079, C>G on the plus strand (G>C on the coding strand, the complement: MEN1 is on the minus strand). VCF-style: chr11-64808079-C-G. GRCh37 (hg19) VCF-style: chr11-64575551-C-G.
Other names: c.481G>C, p.Gly161Arg (NM_000244.4, NM_130800.3, NM_130801.3 and 3 more transcripts); c.466G>C, p.Gly156Arg (NM_001370251.2, NM_001370260.2, NM_001370261.2 and 3 more transcripts); short protein forms G156R, G161R.
Identifiers: ClinVar variation 426144 (VCV000426144.7), dbSNP rs1085307471, ClinGen allele CA381186242.
Genomic context (GRCh38, chr11:64,808,079, plus strand): 5'-CGAGGTGGACATCCCGGAGACCCAGGGCCTGGCAGGCCCCAACCACAGCAAAGGCCACAC[C>G]GGAGCTGTCCAATTTGGTGCCTGTGGAAGGGGGAGGTAATGAAAGAGGGTCCTCTGTGCT-3'
Protein context (NP_001357188.2, residues 146-166): FITGTKLDSS[Gly156Arg]VAFAVVGACQ